The following is an entry in ClinVar:

NM_001197104.2(KMT2A):c.7028C>T (p.Ser2343Phe)

Gene: KMT2A (lysine methyltransferase 2A; plus strand). Cytogenetic location: 11q23.3.
Variant type: single nucleotide variant.
Coding change: c.7028C>T on transcript NM_001197104.2 (MANE Select); coding-DNA position 7028, C replaced by T.
Protein change: p.Ser2343Phe; replaces serine 2343 with phenylalanine.
Molecular consequence: missense variant.
Genome position (GRCh38, 1-based): chr11:118,502,920, C>T. VCF-style: chr11-118502920-C-T. GRCh37 (hg19) VCF-style: chr11-118373635-C-T.
Other names: c.7118C>T, p.Ser2373Phe (NM_001412597.1); c.7019C>T, p.Ser2340Phe (NM_005933.4); short protein forms S2373F, S2340F, S2343F.
Identifiers: ClinVar variation 3680604 (VCV003680604.2).
Genomic context (GRCh38, chr11:118,502,920, plus strand): 5'-CACATAATGTGGCTTACCCTGGAATTCCTAAACTGGCCCCACAGGTTCATAACACAACAT[C>T]TAGAGAACTGAATGTTAGTAAAATCGGCTCCTTTGCTGAACCCTCTTCAGTGTCGTTTTC-3'
Protein context (NP_001184033.1, residues 2333-2353): KLAPQVHNTT[Ser2343Phe]RELNVSKIGS

ClinVar aggregate classification (germline): Uncertain significance (1 of 4 stars; one submission).

Submission:

Labcorp Genetics (formerly Invitae), Labcorp
Classification: Uncertain significance. Last evaluated: 2024-05-23. Review status: criteria provided, single submitter. Criteria: Invitae Variant Classification Sherloc (09022015). Collection method: clinical testing. Allele origin: germline.
Comment: This sequence change replaces serine, which is neutral and polar, with phenylalanine, which is neutral and non-polar, at codon 2343 of the KMT2A protein (p.Ser2343Phe). This variant is not present in population databases (gnomAD no frequency). This variant has not been reported in the literature in individuals affected with KMT2A-related conditions. Advanced modeling of protein sequence and biophysical properties (such as structural, functional, and spatial information, amino acid conservation, physicochemical variation, residue mobility, and thermodynamic stability) performed at Invitae indicates that this missense variant is not expected to disrupt KMT2A protein function with a negative predictive value of 95%. In summary, the available evidence is currently insufficient to determine the role of this variant in disease. Therefore, it has been classified as a Variant of Uncertain Significance.